The following is an entry in ClinVar:

NM_000465.4(BARD1):c.226A>T (p.Ser76Cys)

Gene: BARD1 (BRCA1 associated RING domain 1; minus strand). Cytogenetic location: 2q35.
Variant type: single nucleotide variant.
Coding change: c.226A>T on transcript NM_000465.4 (MANE Select); coding-DNA position 226, A replaced by T.
Protein change: p.Ser76Cys; replaces serine 76 with cysteine.
Molecular consequence: missense variant. On other transcripts: non-coding transcript variant (1), intron variant (2).
Genome position (GRCh38, 1-based): chr2:214,792,435, T>A on the plus strand (A>T on the coding strand, the complement: BARD1 is on the minus strand). VCF-style: chr2-214792435-T-A. GRCh37 (hg19) VCF-style: chr2-215657159-T-A.
Other names: c.169A>T, p.Ser57Cys (NM_001282543.2); c.226A>T, p.Ser76Cys (NM_001282549.2); c.158+16977A>T (NM_001282548.2); c.215+4626A>T (NM_001282545.2); short protein forms S57C, S76C.
Identifiers: ClinVar variation 923985 (VCV000923985.4), dbSNP rs1695568169, ClinGen allele CA350461319.
Genomic context (GRCh38, chr2:214,792,435, plus strand): 5'-TCAAGTCTTGTATCCAGGCCGGGGTGTAACACACTGGACATCCAGTTCCAATGCAGTCAC[T>A]TACACAATTACTTTAAAATAATTAAAAAAAAAAAAAAAAGCAACCCATTCAGCAGAATTT-3'
Protein context (NP_000456.2, residues 66-86): CEHIFCSNCV[Ser76Cys]DCIGTGCPVC

ClinVar aggregate classification (germline): Uncertain significance (1 of 4 stars; one submission).

Conditions:
Hereditary cancer-predisposing syndrome. Also called: Neoplastic Syndromes, Hereditary; Tumor predisposition; Hereditary Cancer Syndrome; Hereditary neoplastic syndrome. Identifiers: Orphanet 140162, MedGen C0027672, MeSH D009386, MONDO:0015356.

Submission:

Color Diagnostics, LLC DBA Color Health
Classification: Uncertain significance for Hereditary cancer-predisposing syndrome. Last evaluated: 2023-12-04. Review status: criteria provided, single submitter. Criteria: ACMG Guidelines, 2015. Collection method: clinical testing. Allele origin: germline.
Comment: This missense variant replaces serine with cysteine at codon 76 of the BARD1 protein. Computational prediction suggests that this variant may not impact protein structure and function (internally defined REVEL score threshold <= 0.5, PMID: 27666373). To our knowledge, functional studies have not been reported for this variant. This variant has not been reported in individuals affected with BARD1-related disorders in the literature. This variant has not been identified in the general population by the Genome Aggregation Database (gnomAD). The available evidence is insufficient to determine the role of this variant in disease conclusively. Therefore, this variant is classified as a Variant of Uncertain Significance.